The following is an entry in ClinVar:

NM_000057.4(BLM):c.1700G>A (p.Trp567Ter)

Gene: BLM (BLM RecQ like helicase; plus strand). Cytogenetic location: 15q26.1.
Variant type: single nucleotide variant.
Coding change: c.1700G>A on transcript NM_000057.4 (MANE Select); coding-DNA position 1700, G replaced by A.
Protein change: p.Trp567Ter; replaces tryptophan 567 with a stop codon.
Molecular consequence: nonsense.
Genome position (GRCh38, 1-based): chr15:90,761,073, G>A. VCF-style: chr15-90761073-G-A. GRCh37 (hg19) VCF-style: chr15-91304303-G-A.
Other names: c.1700G>A, p.Trp567Ter (NM_001287246.2, NM_001287247.2); c.575G>A, p.Trp192Ter (NM_001287248.2); short protein forms W192*, W567*.
Identifiers: ClinVar variation 1778349 (VCV001778349.2), dbSNP rs2505428176, ClinGen allele CA393843652.

ClinVar aggregate classification (germline): Pathogenic (1 of 4 stars; one submission).

Conditions:
Hereditary cancer-predisposing syndrome. Also called: Neoplastic Syndromes, Hereditary; Tumor predisposition; Hereditary Cancer Syndrome; Hereditary neoplastic syndrome. Identifiers: Orphanet 140162, MedGen C0027672, MeSH D009386, MONDO:0015356.

Submission:

Ambry Genetics
Classification: Pathogenic for Hereditary cancer-predisposing syndrome. Last evaluated: 2021-04-22. Review status: criteria provided, single submitter. Criteria: Ambry Variant Classification Scheme 2023. Collection method: clinical testing. Allele origin: germline.
Comment: The p.W567* pathogenic mutation (also known as c.1700G>A), located in coding exon 6 of the BLM gene, results from a G to A substitution at nucleotide position 1700. This changes the amino acid from a tryptophan to a stop codon within coding exon 6. A different alteration, c.1701G>A, that leads to same premature stop (p.W567*), was detected in a patient with Bloom syndrome along with a second truncating alteration in BLM; phase (cis or trans) of the two alterations was not determined (German J et al. Hum Mutat, 2007 Aug;28:743-53). In addition to the clinical data presented in the literature, this alteration is expected to result in loss of function by premature protein truncation or nonsense-mediated mRNA decay. As such, this alteration is interpreted as a disease-causing mutation.

Literature cited by the submitters: PubMed 17407155.